The following is an entry in ClinVar:

NM_001081.4(CUBN):c.2839G>T (p.Gly947Cys)

Gene: CUBN (cubilin; minus strand). Cytogenetic location: 10p13.
Variant type: single nucleotide variant.
Coding change: c.2839G>T on transcript NM_001081.4 (MANE Select); coding-DNA position 2839, G replaced by T.
Protein change: p.Gly947Cys; replaces glycine 947 with cysteine.
Molecular consequence: missense variant.
Genome position (GRCh38, 1-based): chr10:17,068,233, C>A on the plus strand (G>T on the coding strand, the complement: CUBN is on the minus strand). VCF-style: chr10-17068233-C-A. GRCh37 (hg19) VCF-style: chr10-17110232-C-A.
Other names: short protein forms G947C.
Identifiers: ClinVar variation 975098 (VCV000975098.3), dbSNP rs2131844929, ClinGen allele CA376156431.

ClinVar aggregate classification (germline): Uncertain significance (1 of 4 stars; one submission).

Conditions:
Imerslund-Grasbeck syndrome type 1 (IGS1). Also called: Megaloblastic anemia 1, Finnish type; Imerslund-Gräsbeck syndrome 1; MEGALOBLASTIC ANEMIA, 1. Identifiers: MedGen C4016819, MONDO:0100156, OMIM 261100.

Submission:

Victorian Clinical Genetics Services, Murdoch Childrens Research Institute
Classification: Uncertain significance for Imerslund-Grasbeck syndrome type 1. Last evaluated: 2018-11-21. Review status: criteria provided, single submitter. Criteria: ACMG Guidelines, 2015. Collection method: clinical testing. Allele origin: unknown. Affected: yes.
Comment: A heterozygous missense variant, NM_001081.3(CUBN):c.2839G>T, has been identified in exon 21 of 67 of the CUBN gene. The variant is predicted to result in a major amino acid change from glycine to cysteine at position 947 of the protein (NP_001072.2(CUBN):p.(Gly947Cys)). The glycine residue at this position has moderate conservation (100 vertebrates, UCSC), and is located within the heterodimerization interface of the CUB 5 domain. In silico predictions for this variant are consistently pathogenic (Polyphen, SIFT, CADD, Mutation Taster). The variant is absent in population databases (gnomAD, dbSNP, 1000G) and has not been previously reported in clinical cases. Based on the information available at the time of curation, this variant has been classified as a VARIANT of UNCERTAIN SIGNIFICANCE (VUS).